The following is an entry in ClinVar:

NM_000742.4(CHRNA2):c.449+231A>G

Gene: CHRNA2 (cholinergic receptor nicotinic alpha 2 subunit; minus strand). Cytogenetic location: 8p21.2.
Variant type: single nucleotide variant.
Coding change: c.449+231A>G on transcript NM_000742.4 (MANE Select); 231 bases into the intron after coding-DNA position 449, A replaced by G.
Molecular consequence: intron variant.
Genome position (GRCh38, 1-based): chr8:27,466,998, T>C on the plus strand (A>G on the coding strand, the complement: CHRNA2 is on the minus strand). VCF-style: chr8-27466998-T-C. GRCh37 (hg19) VCF-style: chr8-27324515-T-C.
Other names: c.-24+231A>G (NM_001347705.2, NM_001347706.2); c.404+231A>G (NM_001282455.2); c.-13+231A>G (NM_001347708.2); c.-10+231A>G (NM_001347707.2).
Identifiers: ClinVar variation 679893 (VCV000679893.1), dbSNP rs7823220, ClinGen allele CA174245132.

ClinVar aggregate classification (germline): Likely benign (1 of 4 stars; one submission).

Allele frequency attached by ClinVar (database versions not stated): gnomAD 0.01283 and 0.01348; TOPMed 0.01378; 1000 Genomes Project 0.01657; 1000 Genomes Project 30x 0.01765.

Submission:

GeneDx
Classification: Likely benign. Last evaluated: 2018-06-19. Review status: criteria provided, single submitter. Criteria: GeneDx Variant Classification (06012015). Collection method: clinical testing. Allele origin: germline. Affected: yes.
Comment: This variant is considered likely benign or benign based on one or more of the following criteria: it is a conservative change, it occurs at a poorly conserved position in the protein, it is predicted to be benign by multiple in silico algorithms, and/or has population frequency not consistent with disease.